The following is an entry in ClinVar:

ClinVar aggregate classification (germline): Pathogenic/Likely pathogenic. Review status: criteria provided, multiple submitters, no conflicts (2 of 4 stars). 6 submissions from 6 submitters: Pathogenic (4); Likely pathogenic (1). 1 of the submissions does not count toward it. Last evaluated 2024-10-07.

Conditions:
Cobalamin C disease. Also called: Cobalamin-C methylmalonic acidemia and homocystinuria; Methylmalonic acidemia and homocystinuria cblC type; Methylmalonic aciduria and homocystinuria, Vitamin B12-responsive; Vitamin B12 metabolic defect with combined deficiency of methylmalonyl-CoA mutase and homocysteine:methyltetrahydrofolate methyltransferase; methylmalonic aciduria and homocystinuria type cblC; Methylmalonic aciduria with homocystinuria cblC type. Identifiers: Orphanet 26, Orphanet 79282, MedGen C1848561, MONDO:0010184, OMIM 277400.

Submissions (6):

Natera, Inc.
Classification: Pathogenic for Methylmalonic aciduria and homocystinuria cblC type. Last evaluated: 2024-10-07. Review status: criteria provided, single submitter. Criteria: Natera Variant Classification Schema (03/2026). Collection method: clinical testing. Allele origin: germline.
Comment: The c.285dupA variant in MMACHC is a frameshift variant predicted to shift the reading frame beginning at codon 96 and leads to a stop codon 9 codons downstream. This variant is expected to result in nonsense mediated decay, truncation, or a dysfunctional protein product. This variant is rare in the general population with a frequency below the threshold expected for the associated phenotype(s). This variant has been observed in one or more individuals affected with the associated recessive disease, as either homozygous or compound heterozygous with a second variant (PMID: 23954310). Given the available evidence, this variant is classified as Pathogenic.

Labcorp Genetics (formerly Invitae), Labcorp
Classification: Pathogenic for Cobalamin C disease. Last evaluated: 2023-09-12. Review status: criteria provided, single submitter. Criteria: Invitae Variant Classification Sherloc (09022015). Collection method: clinical testing. Allele origin: germline.
Comment: This premature translational stop signal has been observed in individual(s) with methylmalonic aciduria and homocystinuria (PMID: 19767224). This variant is not present in population databases (gnomAD no frequency). This sequence change creates a premature translational stop signal (p.Glu96Argfs*9) in the MMACHC gene. It is expected to result in an absent or disrupted protein product. Loss-of-function variants in MMACHC are known to be pathogenic (PMID: 16311595). ClinVar contains an entry for this variant (Variation ID: 557871). For these reasons, this variant has been classified as Pathogenic.

Baylor Genetics
Classification: Pathogenic for Cobalamin C disease. Last evaluated: 2023-05-04. Review status: criteria provided, single submitter. Criteria: ACMG Guidelines, 2015. Collection method: clinical testing. Allele origin: unknown.

Genome-Nilou Lab
Classification: Likely pathogenic for Cobalamin C disease. Last evaluated: 2023-04-11. Review status: criteria provided, single submitter. Criteria: ACMG Guidelines, 2015. Collection method: clinical testing. Allele origin: germline. Affected: no.

Fulgent Genetics
Classification: Pathogenic for Cobalamin C disease. Last evaluated: 2021-08-23. Review status: criteria provided, single submitter. Criteria: ACMG Guidelines, 2015. Collection method: clinical testing. Allele origin: unknown.

Counsyl
Classification: Likely pathogenic for Cobalamin C disease. Last evaluated: 2018-04-13. Review status: no assertion criteria provided. Collection method: clinical testing. Allele origin: unknown. Not counted in ClinVar's aggregate classification.

Literature cited by the submitters: PubMed 23954310 (cited by Natera, Inc.); PubMed 19767224 (cited by Labcorp Genetics (formerly Invitae), Labcorp and Counsyl); PubMed 16311595 (cited by Labcorp Genetics (formerly Invitae), Labcorp).

NM_015506.3(MMACHC):c.285dup (p.Glu96fs)

Gene: MMACHC (metabolism of cobalamin associated C; plus strand). Cytogenetic location: 1p34.1.
Variant type: Duplication.
Coding change: c.285dup on transcript NM_015506.3 (MANE Select); coding-DNA position 285, one base duplicated (A; older notation c.285dupA).
Protein change: p.Glu96fs; shifts the reading frame from glutamic acid 96.
Molecular consequence: frameshift variant.
Genome position (GRCh38, 1-based): chr1:45,508,220, A duplicated. VCF-style (leftmost placement, unchanged base first): chr1-45508219-C-CA. GRCh37 (hg19) VCF-style: chr1-45973891-C-CA.
Other names: c.114dup, p.Glu39fs (NM_001330540.2); c.285dupA (NM_015506.3, NM_015506.2); short protein forms E39fs, E96fs.
Identifiers: ClinVar variation 557871 (VCV000557871.15), dbSNP rs1553162821, ClinGen allele CA658821022.